The following is an entry in ClinVar:

ClinVar aggregate classification (germline): Pathogenic (1 of 4 stars; one submission).

Conditions:
Maturity-onset diabetes of the young (MODY). Also called: Maturity onset diabetes mellitus in young. Identifiers: Orphanet 552, MedGen C0342276, MONDO:0018911, HP:0004904.

Submission:

Women's Health and Genetics/Laboratory Corporation of America, LabCorp
Classification: Pathogenic for Maturity-onset diabetes of the young. Last evaluated: 2025-02-21. Review status: criteria provided, single submitter. Criteria: LabCorp Variant Classification Summary - May 2015. Collection method: clinical testing. Allele origin: germline.
Comment: Variant summary: HNF1A c.327_336del10 (p.Gln109HisfsX43) results in a premature termination codon, predicted to cause a truncation of the encoded protein or absence of the protein due to nonsense mediated decay, which are commonly known mechanisms for disease. The variant was absent in 251202 control chromosomes. To our knowledge, no occurrence of c.327_336del10 in individuals affected with Maturity Onset Diabetes Of The Young 3 and no experimental evidence demonstrating its impact on protein function have been reported. No submitters have cited clinical-significance assessments for this variant to ClinVar. Based on the evidence outlined above, the variant was classified as pathogenic.

NM_000545.8(HNF1A):c.327_336del10

Gene: HNF1A (HNF1 homeobox A; plus strand). Cytogenetic location: 12q24.31.
Variant type: Deletion.
Coding change: c.327_336del10 on transcript NM_000545.8 (MANE Select); coding-DNA positions 327 to 336, 10 bases deleted (GGAGGACCCG; older notation c.327_336del10GGAGGACCCG).
Molecular consequence: splice acceptor variant.
Genome position (GRCh38, 1-based): chr12:120,988,833-120,988,842, GGAGGACCCG deleted; deleting any 10 consecutive bases within chr12:120,988,832-120,988,842 gives the same sequence; the c. name uses the placement nearest the transcript's 3' end. VCF-style (leftmost placement, unchanged base first): chr12-120988831-AGGGAGGACCC-A. GRCh37 (hg19) VCF-style: chr12-121426634-AGGGAGGACCC-A.
Identifiers: ClinVar variation 3768879 (VCV003768879.1).
Genomic context (GRCh38, chr12:120,988,831, plus strand): 5'-CAGCCCCACCTATGGGGAGAGACAGCCCTTGCTGAGCAGATCCCGTCCTTGCCCTCTCCC[AGGGAGGACCC>A]GTGGCGTGTGGCGAAGATGGTCAAGTCCTACCTGCAGCAGCACAACATCCCACAGCGGGA-3'